The following is an entry in ClinVar:

NM_001370298.3(FGD4):c.433T>C (p.Ser145Pro)

Gene: FGD4 (FYVE, RhoGEF and PH domain containing 4; plus strand). Cytogenetic location: 12p11.21.
Variant type: single nucleotide variant.
Coding change: c.433T>C on transcript NM_001370298.3 (MANE Select); coding-DNA position 433, T replaced by C.
Protein change: p.Ser145Pro; replaces serine 145 with proline.
Molecular consequence: missense variant. On other transcripts: 5 prime UTR variant (2), intron variant (4).
Genome position (GRCh38, 1-based): chr12:32,576,379, T>C. VCF-style: chr12-32576379-T-C. GRCh37 (hg19) VCF-style: chr12-32729313-T-C.
Other names: c.277T>C, p.Ser93Pro (NM_001304481.2); c.-823T>C (NM_001304483.2); c.-1130T>C (NM_001304484.2); c.433T>C, p.Ser145Pro (NM_001384126.1); c.22T>C, p.Ser8Pro (NM_001384127.1, NM_001384128.1, NM_001384131.1 and 3 more transcripts); c.-187-5581T>C (NM_001330374.2, NM_001330373.2, NM_001384130.1); c.48+12090T>C (NM_001370297.1); short protein forms S145P, S8P, S93P.
Identifiers: ClinVar variation 1020516 (VCV001020516.9), dbSNP rs369365466, ClinGen allele CA6506560.

ClinVar aggregate classification (germline): Conflicting classifications of pathogenicity. Review status: criteria provided, conflicting classifications (1 of 4 stars). 3 submissions from 3 submitters: Uncertain significance (2); Likely benign (1). Last evaluated 2024-12-05.

Conditions:
Inborn genetic diseases. Identifiers: MedGen C0950123, MeSH D030342.
Charcot-Marie-Tooth disease type 4. Also called: Charcot-Marie-Tooth, Type 4; Charcot-Marie-Tooth disease, type IV. Identifiers: Orphanet 64749, MedGen C4082197, MONDO:0018995.

Allele frequency attached by ClinVar (database versions not stated): ESP Exome Variant Server 0.00008; gnomAD 0.00004; TOPMed 0.00008; gnomAD exomes 0.00002 and below 0.00001; ExAC 0.00002.
gnomAD v4.1: 11 of 1,614,042 alleles (0.00068%); highest among the groups gnomAD compares: African/African-American, 0.012%; no homozygotes.

Submissions (3):

Athena Diagnostics
Classification: Uncertain significance. Last evaluated: 2024-12-05. Review status: criteria provided, single submitter. Criteria: Athena Diagnostics Criteria. Collection method: clinical testing. Allele origin: unknown.
Comment: Available data are insufficient to determine the clinical significance of the variant at this time. The frequency of this variant in the general population is uninformative in assessment of its pathogenicity. Polyphen and MutationTaster predict this amino acid change may be benign.

Labcorp Genetics (formerly Invitae), Labcorp
Classification: Uncertain significance for Charcot-Marie-Tooth disease type 4. Last evaluated: 2021-09-02. Review status: criteria provided, single submitter. Criteria: Invitae Variant Classification Sherloc (09022015). Collection method: clinical testing. Allele origin: germline.
Comment: This sequence change replaces serine with proline at codon 8 of the FGD4 protein (p.Ser8Pro). The serine residue is moderately conserved and there is a moderate physicochemical difference between serine and proline. This variant is present in population databases (rs369365466, ExAC 0.01%). This variant has not been reported in the literature in individuals affected with FGD4-related conditions. Algorithms developed to predict the effect of missense changes on protein structure and function output the following: SIFT: "Tolerated"; PolyPhen-2: "Benign"; Align-GVGD: "Class C0". The proline amino acid residue is found in multiple mammalian species, which suggests that this missense change does not adversely affect protein function. In summary, the available evidence is currently insufficient to determine the role of this variant in disease. Therefore, it has been classified as a Variant of Uncertain Significance.

Ambry Genetics
Classification: Likely benign for Inborn genetic diseases. Last evaluated: 2021-03-25. Review status: criteria provided, single submitter. Criteria: Ambry Variant Classification Scheme 2023. Collection method: clinical testing. Allele origin: germline.